The following is an entry in ClinVar:

NM_006389.5(HYOU1):c.91+19G>A

Gene: HYOU1 (hypoxia up-regulated 1; minus strand). Cytogenetic location: 11q23.3.
Variant type: single nucleotide variant.
Coding change: c.91+19G>A on transcript NM_006389.5 (MANE Select); 19 bases into the intron after coding-DNA position 91, G replaced by A.
Molecular consequence: intron variant.
Genome position (GRCh38, 1-based): chr11:119,056,051, C>T on the plus strand (G>A on the coding strand, the complement: HYOU1 is on the minus strand). VCF-style: chr11-119056051-C-T.
Other names: c.91+19G>A (NM_001130991.3, NM_001411041.1).
Identifiers: ClinVar variation 2962242 (VCV002962242.3), dbSNP rs782611675, ClinGen allele CA229649657.

ClinVar aggregate classification (germline): Uncertain significance (1 of 4 stars; one submission).

Allele frequency attached by ClinVar (database versions not stated): gnomAD 0.00001; TOPMed 0.00001; gnomAD exomes 0.00002.

Submission:

Labcorp Genetics (formerly Invitae), Labcorp
Classification: Uncertain significance. Last evaluated: 2023-03-04. Review status: criteria provided, single submitter. Criteria: Invitae Variant Classification Sherloc (09022015). Collection method: clinical testing. Allele origin: germline.
Comment: This sequence change falls in intron 2 of the HYOU1 gene. It does not directly change the encoded amino acid sequence of the HYOU1 protein. In summary, the available evidence is currently insufficient to determine the role of this variant in disease. Therefore, it has been classified as a Variant of Uncertain Significance. Experimental studies and prediction algorithms are not available or were not evaluated, and the effect of this variant on mRNA splicing is currently unknown. This variant has not been reported in the literature in individuals affected with HYOU1-related conditions. This variant is present in population databases (rs782611675, gnomAD 0.0009%).